The following is an entry in ClinVar:

ClinVar aggregate classification (germline): Uncertain significance (1 of 4 stars; one submission).

Conditions:
Inborn genetic diseases. Identifiers: MedGen C0950123, MeSH D030342.

Submission:

Ambry Genetics
Classification: Uncertain significance for Inborn genetic diseases. Last evaluated: 2019-05-28. Review status: criteria provided, single submitter. Criteria: Ambry Variant Classification Scheme 2023. Collection method: clinical testing. Allele origin: germline.
Comment: The p.K1027E variant (also known as c.3079A>G), located in coding exon 3 of the ADNP gene, results from an A to G substitution at nucleotide position 3079. The lysine at codon 1027 is replaced by glutamic acid, an amino acid with similar properties. This amino acid position is highly conserved in available vertebrate species. In addition, this alteration is predicted to be deleterious by in silico analysis. Since supporting evidence is limited at this time, the clinical significance of this alteration remains unclear.

NM_001282531.3(ADNP):c.3079A>G (p.Lys1027Glu)

Gene: ADNP (activity dependent neuroprotector homeobox; minus strand). Cytogenetic location: 20q13.13.
Variant type: single nucleotide variant.
Coding change: c.3079A>G on transcript NM_001282531.3 (MANE Select); coding-DNA position 3079, A replaced by G.
Protein change: p.Lys1027Glu; replaces lysine 1027 with glutamic acid.
Molecular consequence: missense variant.
Genome position (GRCh38, 1-based): chr20:50,891,635, T>C on the plus strand (A>G on the coding strand, the complement: ADNP is on the minus strand). VCF-style: chr20-50891635-T-C. GRCh37 (hg19) VCF-style: chr20-49508172-T-C.
Other names: c.3079A>G, p.Lys1027Glu (NM_001282532.2, NM_001347511.2, NM_015339.5 and 1 more transcripts); short protein forms K1027E.
Identifiers: ClinVar variation 1727333 (VCV001727333.2), dbSNP rs2515573274, ClinGen allele CA408967143.